The following is an entry in ClinVar:

ClinVar aggregate classification (germline): Conflicting classifications of pathogenicity. Review status: criteria provided, conflicting classifications (1 of 4 stars). 3 submissions from 3 submitters: Uncertain significance (1); Likely benign (1). 1 of the submissions does not count toward it. Last evaluated 2024-07-10.

Conditions:
SLC17A8-related disorder. Also called: SLC17A8-related condition.

Submissions (3):

Labcorp Genetics (formerly Invitae), Labcorp
Classification: Uncertain significance. Last evaluated: 2024-07-10. Review status: criteria provided, single submitter. Criteria: Invitae Variant Classification Sherloc (09022015). Collection method: clinical testing. Allele origin: germline.
Comment: This variant, c.1634_1636del, results in the deletion of 1 amino acid(s) of the SLC17A8 protein (p.Lys545del), but otherwise preserves the integrity of the reading frame. This variant is present in population databases (rs141689561, gnomAD 0.2%), and has an allele count higher than expected for a pathogenic variant. This variant has not been reported in the literature in individuals affected with SLC17A8-related conditions. ClinVar contains an entry for this variant (Variation ID: 306636). Experimental studies and prediction algorithms are not available or were not evaluated, and the functional significance of this variant is currently unknown. In summary, the available evidence is currently insufficient to determine the role of this variant in disease. Therefore, it has been classified as a Variant of Uncertain Significance.

GeneDx
Classification: Likely benign. Last evaluated: 2020-02-13. Review status: criteria provided, single submitter. Criteria: GeneDx Variant Classification Process June 2021. Collection method: clinical testing. Allele origin: germline. Affected: yes.

PreventionGenetics, part of Exact Sciences
Classification: Likely benign for SLC17A8-related condition. Last evaluated: 2023-06-07. Review status: no assertion criteria provided. Collection method: clinical testing. Allele origin: germline. Not counted in ClinVar's aggregate classification.
Comment: This variant is classified as likely benign based on ACMG/AMP sequence variant interpretation guidelines (Richards et al. 2015 PMID: 25741868, with internal and published modifications).

NM_139319.3(SLC17A8):c.1631AGA[1] (p.Lys545del)

Gene: SLC17A8 (solute carrier family 17 member 8; plus strand). Cytogenetic location: 12q23.1.
Variant type: Microsatellite.
Coding change: c.1631AGA[1] on transcript NM_139319.3 (MANE Select); one copy of the 3-base unit AGA starting at c.1631; the reference has two copies in a row; one copy, 3 bases deleted.
Protein change: p.Lys545del; deletes lysine 545.
Molecular consequence: inframe deletion.
Genome position (GRCh38, 1-based): chr12:100,420,023-100,420,025, AGA deleted; deleting any 3 consecutive bases within chr12:100,420,019-100,420,025 gives the same sequence; the position shown is the placement nearest the transcript's 3' end. VCF-style (leftmost placement, unchanged base first): chr12-100420018-AAAG-A. GRCh37 (hg19) VCF-style: chr12-100813796-AAAG-A.
Other names: c.1481AGA[1], p.Lys495del (NM_001145288.2); short protein forms K545del, K495del.
Identifiers: ClinVar variation 306636 (VCV000306636.14), dbSNP rs141689561, ClinGen allele CA6739072.